The following is an entry in ClinVar:

ClinVar aggregate classification (germline): Conflicting classifications of pathogenicity. Review status: criteria provided, conflicting classifications (1 of 4 stars). 3 submissions from 3 submitters: Uncertain significance (2); Likely benign (1). Last evaluated 2024-12-30.

Conditions:
Hereditary cancer-predisposing syndrome. Also called: Hereditary Cancer Syndrome; Neoplastic Syndromes, Hereditary; Tumor predisposition; Hereditary neoplastic syndrome. Identifiers: Orphanet 140162, MedGen C0027672, MeSH D009386, MONDO:0015356.
Hereditary breast ovarian cancer syndrome. Also called: Breast and ovarian cancer; Hereditary breast and ovarian cancer syndrome (HBOC); Hereditary breast and ovarian cancer; Hereditary breast and/or ovarian cancer syndrome; BRCA1- and BRCA2-Associated Hereditary Breast and Ovarian Cancer; Hereditary breast and ovarian cancer syndrome. Identifiers: Orphanet 145, MedGen C0677776, MeSH D061325, MONDO:0003582. Disease mechanism: loss of function.

Allele frequency attached by ClinVar (database versions not stated): gnomAD exomes below 0.00001.
gnomAD v4.1: 1 of 1,613,652 alleles (0.000062%); highest among the groups gnomAD compares: Non-Finnish European, 0.000085%; no homozygotes.

Submissions (3):

Ambry Genetics
Classification: Uncertain significance for Hereditary cancer-predisposing syndrome. Last evaluated: 2024-12-30. Review status: criteria provided, single submitter. Criteria: Ambry Variant Classification Scheme 2023. Collection method: clinical testing. Allele origin: germline.

University of Washington Department of Laboratory Medicine, University of Washington
Classification: Likely benign for Hereditary cancer-predisposing syndrome. Last evaluated: 2023-03-23. Review status: criteria provided, single submitter. Criteria: Dines et al. (Genet Med. 2020). Collection method: curation. Allele origin: germline.
Comment: Missense variant in a coldspot region where missense variants are very unlikely to be pathogenic (PMID:31911673).

BRCA1 coldspot (exon 11 using historical exon numbering). Reclassification based on statistical prior probability

Labcorp Genetics (formerly Invitae), Labcorp
Classification: Uncertain significance for Hereditary breast ovarian cancer syndrome. Last evaluated: 2020-10-08. Review status: criteria provided, single submitter. Criteria: Invitae Variant Classification Sherloc (09022015). Collection method: clinical testing. Allele origin: germline.
Comment: In summary, the available evidence is currently insufficient to determine the role of this variant in disease. Therefore, it has been classified as a Variant of Uncertain Significance. Advanced modeling of protein sequence and biophysical properties (such as structural, functional, and spatial information, amino acid conservation, physicochemical variation, residue mobility, and thermodynamic stability) performed at Invitae indicates that this missense variant is not expected to disrupt BRCA1 protein function. This variant has not been reported in the literature in individuals with BRCA1-related conditions. This variant is not present in population databases (ExAC no frequency). This sequence change replaces histidine with asparagine at codon 816 of the BRCA1 protein (p.His816Asn). The histidine residue is moderately conserved and there is a small physicochemical difference between histidine and asparagine.

NM_007294.4(BRCA1):c.2446C>A (p.His816Asn)

Gene: BRCA1 (BRCA1 DNA repair associated; minus strand). Cytogenetic location: 17q21.31.
Variant type: single nucleotide variant.
Coding change: c.2446C>A on transcript NM_007294.4 (MANE Select); coding-DNA position 2446, C replaced by A.
Protein change: p.His816Asn; replaces histidine 816 with asparagine.
Molecular consequence: missense variant. On other transcripts: intron variant (137).
Genome position (GRCh38, 1-based): chr17:43,093,085, G>T on the plus strand (C>A on the coding strand, the complement: BRCA1 is on the minus strand). VCF-style: chr17-43093085-G-T. GRCh37 (hg19) VCF-style: chr17-41245102-G-T.
Other names: c.2233C>A, p.His745Asn (NM_001407571.1, NM_001407853.1, NM_001407894.1 and 9 more transcripts); c.2446C>A, p.His816Asn (NM_001407581.1, NM_001407582.1, NM_001407583.1 and 30 more transcripts); c.2443C>A, p.His815Asn (NM_001407587.1, NM_001407590.1, NM_001407591.1 and 22 more transcripts); c.2437C>A, p.His813Asn (NM_001407646.1, NM_001407647.1); c.2323C>A, p.His775Asn (NM_001407648.1, NM_001407664.1, NM_001407665.1 and 19 more transcripts); c.2320C>A, p.His774Asn (NM_001407649.1, NM_001407670.1, NM_001407671.1 and 11 more transcripts); c.2368C>A, p.His790Asn (NM_001407653.1, NM_001407654.1, NM_001407655.1 and 4 more transcripts); c.2365C>A, p.His789Asn (NM_001407659.1, NM_001407660.1, NM_001407661.1 and 1 more transcripts); and 41 more; short protein forms H769N, H816N, H688N, H727N, H745N, H748N, H789N, H790N.
Identifiers: ClinVar variation 1023503 (VCV001023503.15), dbSNP rs1597869935, ClinGen allele CA10597119.
Genomic context (GRCh38, chr17:43,093,085, plus strand): 5'-CATGTCCCAATGGATACTTAAAGCCTTCTGTGTCATTTCTATTATCTTTGGAACAACCAT[G>T]AATTAGTCCCTTGGGGTTTTCAAATGCTGCACACTGACTCACACATTTATTTGGTTCTGT-3'
Protein context (NP_009225.1, residues 806-826): AAFENPKGLI[His816Asn]GCSKDNRNDT